The following is an entry in ClinVar:

NM_004247.4(EFTUD2):c.1774del (p.Val592fs)

Gene: EFTUD2 (elongation factor Tu GTP binding domain containing 2; minus strand). Cytogenetic location: 17q21.31.
Variant type: Deletion.
Coding change: c.1774del on transcript NM_004247.4 (MANE Select); coding-DNA position 1774, one base deleted (G; older notation c.1774delG).
Protein change: p.Val592fs; shifts the reading frame from valine 592.
Molecular consequence: frameshift variant.
Genome position (GRCh38, 1-based): chr17:44,859,991, C deleted on the plus strand (G on the coding strand, the reverse complement: EFTUD2 is on the minus strand). VCF-style (leftmost placement, unchanged base first): chr17-44859990-AC-A. GRCh37 (hg19) VCF-style: chr17-42937358-AC-A.
Other names: c.1669del, p.Val557fs (NM_001142605.2); c.1774del, p.Val592fs (NM_001258353.2); c.1744del, p.Val582fs (NM_001258354.2); short protein forms V557fs, V582fs, V592fs.
Identifiers: ClinVar variation 4855347 (VCV004855347.1).

ClinVar aggregate classification (germline): Likely pathogenic (1 of 4 stars; one submission).

Conditions:
Mandibulofacial dysostosis-microcephaly syndrome (MFDGA). Also called: Growth and mental retardation, mandibulofacial dysostosis, microcephaly, and cleft palate; Mandibulofacial dysostosis, Guion-Almeida type. Identifiers: Orphanet 79113, MedGen C1864652, MONDO:0012516, OMIM 610536.

Submission:

3billion
Classification: Likely pathogenic for Mandibulofacial dysostosis-microcephaly syndrome. Last evaluated: 2025-12-26. Review status: criteria provided, single submitter. Criteria: ACMG Guidelines, 2015. Collection method: clinical testing. Allele origin: germline. Affected: yes.
Comment: The variant is not observed in the gnomAD v4.1.0 dataset. Predicted Consequence/Location: Frameshift: predicted to result in a loss or disruption of normal protein function through nonsense-mediated decay (NMD) or protein truncation. Multiple pathogenic variants are reported downstream of the variant. Therefore, this variant is classified as Likely pathogenic according to the recommendation of ACMG/AMP guideline.